The following is an entry in ClinVar:

NM_001267550.2(TTN):c.63323C>T (p.Ala21108Val)

Genes: TTN (titin; minus strand), TTN-AS1 (TTN antisense RNA 1; plus strand). Cytogenetic location: 2q31.2.
Variant type: single nucleotide variant.
Coding change: c.63323C>T on transcript NM_001267550.2 (MANE Select); coding-DNA position 63323, C replaced by T.
Protein change: p.Ala21108Val; replaces alanine 21108 with valine.
Molecular consequence: missense variant.
Genome position (GRCh38, 1-based): chr2:178,588,084, G>A on the plus strand (C>T on the coding strand, the complement: TTN is on the minus strand). VCF-style: chr2-178588084-G-A. GRCh37 (hg19) VCF-style: chr2-179452811-G-A.
Other names: c.58400C>T, p.Ala19467Val (NM_001256850.1); c.36128C>T, p.Ala12043Val (NM_003319.4); c.55619C>T, p.Ala18540Val (NM_133378.4); c.36503C>T, p.Ala12168Val (NM_133432.3); c.36704C>T, p.Ala12235Val (NM_133437.4); short protein forms A12043V, A21108V, A12168V, A12235V, A19467V, A18540V.
Identifiers: ClinVar variation 519149 (VCV000519149.5), dbSNP rs769906829, ClinGen allele CA1992106.
Genomic context (GRCh38, chr2:178,588,084, plus strand): 5'-TTGCGTACAAGCTGTGCTGCAGCATTACACCGTTTCCAGCCTTCATCAGGAGACGCATCT[G>A]CTATTTTTGGTCTCATTTCCACAACATATCCAATGATCGGTGCACCACCATCATAGACTG-3'
Protein context (NP_001254479.2, residues 21098-21118): GYVVEMRPKI[Ala21108Val]DASPDEGWKR

ClinVar aggregate classification (germline): Uncertain significance (1 of 4 stars; one submission).

Conditions:
Cardiovascular phenotype. Identifiers: MedGen CN230736.

Allele frequency attached by ClinVar (database versions not stated): gnomAD exomes below 0.00001; TOPMed below 0.00001; ExAC 0.00002.
gnomAD v4.1: 4 of 1,612,878 alleles (0.00025%); highest among the groups gnomAD compares: South Asian, 0.0044%; no homozygotes.

Submission:

Ambry Genetics
Classification: Uncertain significance for Cardiovascular phenotype. Last evaluated: 2017-02-16. Review status: criteria provided, single submitter. Criteria: Ambry Variant Classification Scheme 2023. Collection method: clinical testing. Allele origin: germline.
Comment: The p.A12043V variant (also known as c.36128C>T), located in coding exon 132 of the TTN gene, results from a C to T substitution at nucleotide position 36128. The alanine at codon 12043 is replaced by valine, an amino acid with similar properties. This amino acid position is poorly conserved in available vertebrate species. In addition, this alteration is predicted to be tolerated by in silico analysis. Since supporting evidence is limited at this time, the clinical significance of this alteration remains unclear.